The following is an entry in ClinVar:

NM_000152.5(GAA):c.2366C>A (p.Pro789Gln)

Gene: GAA (alpha glucosidase; plus strand). Cytogenetic location: 17q25.3.
Variant type: single nucleotide variant.
Coding change: c.2366C>A on transcript NM_000152.5 (MANE Select); coding-DNA position 2366, C replaced by A.
Protein change: p.Pro789Gln; replaces proline 789 with glutamine.
Molecular consequence: missense variant.
Genome position (GRCh38, 1-based): chr17:80,117,634, C>A. VCF-style: chr17-80117634-C-A. GRCh37 (hg19) VCF-style: chr17-78091433-C-A.
Other names: c.2366C>A, p.Pro789Gln (NM_001079803.3, NM_001079804.3); short protein forms P789Q.
Identifiers: ClinVar variation 841720 (VCV000841720.7), dbSNP rs773629231, ClinGen allele CA294857155.

ClinVar aggregate classification (germline): Uncertain significance. Review status: criteria provided, multiple submitters, no conflicts (2 of 4 stars). 2 submissions from 2 submitters: Uncertain significance (2). Last evaluated 2025-04-10.

Conditions:
Glycogen storage disease, type II (IOPD). Also called: Pompe Disease; GLYCOGENOSIS, GENERALIZED, CARDIAC FORM; GSD II; Glycogen storage disease type 2; Acid maltase deficiency disease; POMPE DISEASE, INFANTILE-ONSET. Identifiers: Orphanet 365, MedGen C0017921, MONDO:0009290, OMIM 232300.

Submissions (2):

Labcorp Genetics (formerly Invitae), Labcorp
Classification: Uncertain significance for Glycogen storage disease, type II. Last evaluated: 2025-04-10. Review status: criteria provided, single submitter. Criteria: Invitae Variant Classification Sherloc (09022015). Collection method: clinical testing. Allele origin: germline.
Comment: This sequence change replaces proline, which is neutral and non-polar, with glutamine, which is neutral and polar, at codon 789 of the GAA protein (p.Pro789Gln). The frequency data for this variant in the population databases is considered unreliable, as metrics indicate poor data quality at this position in the gnomAD database. This variant has not been reported in the literature in individuals affected with GAA-related conditions. ClinVar contains an entry for this variant (Variation ID: 841720). Invitae Evidence Modeling of protein sequence and biophysical properties (such as structural, functional, and spatial information, amino acid conservation, physicochemical variation, residue mobility, and thermodynamic stability) indicates that this missense variant is not expected to disrupt GAA protein function with a negative predictive value of 95%. In summary, the available evidence is currently insufficient to determine the role of this variant in disease. Therefore, it has been classified as a Variant of Uncertain Significance.

Blueprint Genetics
Classification: Uncertain significance. Last evaluated: 2023-03-28. Review status: criteria provided, single submitter. Criteria: ACMG Guidelines, 2015. Collection method: clinical testing. Allele origin: germline.